The following is an entry in ClinVar:

NM_001379081.2(FREM1):c.1616T>A (p.Leu539Gln)

Gene: FREM1 (FRAS1 related extracellular matrix 1; minus strand). Cytogenetic location: 9p22.3.
Variant type: single nucleotide variant.
Coding change: c.1616T>A on transcript NM_001379081.2 (MANE Select); coding-DNA position 1616, T replaced by A.
Protein change: p.Leu539Gln; replaces leucine 539 with glutamine.
Molecular consequence: missense variant. On other transcripts: non-coding transcript variant (2).
Genome position (GRCh38, 1-based): chr9:14,842,438, A>T on the plus strand (T>A on the coding strand, the complement: FREM1 is on the minus strand). VCF-style: chr9-14842438-A-T. GRCh37 (hg19) VCF-style: chr9-14842436-A-T.
Other names: c.1616T>A, p.Leu539Gln (NM_144966.7); c.1616T>A (NM_144966.5); short protein forms L539Q.
Identifiers: ClinVar variation 2047132 (VCV002047132.5), dbSNP rs534928930, ClinGen allele CA4991185.

ClinVar aggregate classification (germline): Uncertain significance. Review status: criteria provided, multiple submitters, no conflicts (2 of 4 stars). 3 submissions from 3 submitters: Uncertain significance (3). Last evaluated 2024-06-05.

Conditions:
Inborn genetic diseases. Identifiers: MedGen C0950123, MeSH D030342.

Allele frequency attached by ClinVar (database versions not stated): gnomAD exomes 0.00001; TOPMed 0.00002; ExAC 0.00003; gnomAD 0.00003; 1000 Genomes Project 30x 0.00016; 1000 Genomes Project 0.00020.
gnomAD v4.1: 13 of 1,614,036 alleles (0.00081%); highest among the groups gnomAD compares: Admixed American, 0.017%; no homozygotes.

Submissions (3):

GeneDx
Classification: Uncertain significance. Last evaluated: 2024-06-05. Review status: criteria provided, single submitter. Criteria: GeneDx Variant Classification Process June 2021. Collection method: clinical testing. Allele origin: germline. Affected: yes.
Comment: In silico analysis indicates that this missense variant does not alter protein structure/function; Has not been previously published as pathogenic or benign to our knowledge

Ambry Genetics
Classification: Uncertain significance for Inborn genetic diseases. Last evaluated: 2024-02-21. Review status: criteria provided, single submitter. Criteria: Ambry Variant Classification Scheme 2023. Collection method: clinical testing. Allele origin: germline.

Labcorp Genetics (formerly Invitae), Labcorp
Classification: Uncertain significance. Last evaluated: 2022-01-05. Review status: criteria provided, single submitter. Criteria: Invitae Variant Classification Sherloc (09022015). Collection method: clinical testing. Allele origin: germline.
Comment: This sequence change replaces leucine, which is neutral and non-polar, with glutamine, which is neutral and polar, at codon 539 of the FREM1 protein (p.Leu539Gln). This variant is present in population databases (rs534928930, gnomAD 0.04%). This variant has not been reported in the literature in individuals affected with FREM1-related conditions. Algorithms developed to predict the effect of missense changes on protein structure and function are either unavailable or do not agree on the potential impact of this missense change (SIFT: "Deleterious"; PolyPhen-2: "Possibly Damaging"; Align-GVGD: "Class C0"). In summary, the available evidence is currently insufficient to determine the role of this variant in disease. Therefore, it has been classified as a Variant of Uncertain Significance.